The following is an entry in ClinVar:

ClinVar aggregate classification (germline): Likely benign (1 of 4 stars; one submission).

Allele frequency attached by ClinVar (database versions not stated): gnomAD exomes below 0.00001; TOPMed below 0.00001.
gnomAD v4.1: 9 of 1,613,882 alleles (0.00056%); highest among the groups gnomAD compares: African/African-American, 0.0013%; no homozygotes.

Submission:

CeGaT Center for Human Genetics Tuebingen
Classification: Likely benign. Last evaluated: 2022-06-01. Review status: criteria provided, single submitter. Criteria: CeGaT Center For Human Genetics Tuebingen Variant Classification Criteria Version 2. Collection method: clinical testing. Allele origin: germline. Affected: yes. Observed: 1 variant allele.
Comment: GAS2L2: BP4, BP7

NM_139285.4(GAS2L2):c.804A>G (p.Lys268=)

Genes: GAS2L2 (growth arrest specific 2 like 2; minus strand), LOC130060735 (ATAC-STARR-seq lymphoblastoid active region 12079; plus strand). Cytogenetic location: 17q12.
Variant type: single nucleotide variant.
Coding change: c.804A>G on transcript NM_139285.4 (MANE Select); coding-DNA position 804, A replaced by G.
Protein change: p.Lys268=; no amino-acid change (lysine 268 retained).
Molecular consequence: synonymous variant.
Genome position (GRCh38, 1-based): chr17:35,747,877, T>C on the plus strand (A>G on the coding strand, the complement: GAS2L2 is on the minus strand). VCF-style: chr17-35747877-T-C. GRCh37 (hg19) VCF-style: chr17-34074896-T-C.
Identifiers: ClinVar variation 2647673 (VCV002647673.24), dbSNP rs1555599251, ClinGen allele CA499819230.
Genomic context (GRCh38, chr17:35,747,877, plus strand): 5'-CCCCACAGGGAGAGGGCCCTCAGGGGACTCACAGAGGGATGTGCAGCGGCAGGGGTCATG[T>C]TTGTCCAGGTAATGGCCCAGTGTGTCCCAGCCGCCCCCTACACGTACCATCACATGGTTC-3'
Protein context (NP_644814.1, residues 258-278): GWDTLGHYLD[Lys268=]HDPCRCTSLS